The following is an entry in ClinVar:

NM_006231.4(POLE):c.4249G>C (p.Glu1417Gln)

Gene: POLE (DNA polymerase epsilon, catalytic subunit; minus strand). Cytogenetic location: 12q24.33.
Variant type: single nucleotide variant.
Coding change: c.4249G>C on transcript NM_006231.4 (MANE Select); coding-DNA position 4249, G replaced by C.
Protein change: p.Glu1417Gln; replaces glutamic acid 1417 with glutamine.
Molecular consequence: missense variant.
Genome position (GRCh38, 1-based): chr12:132,643,878, C>G on the plus strand (G>C on the coding strand, the complement: POLE is on the minus strand). VCF-style: chr12-132643878-C-G. GRCh37 (hg19) VCF-style: chr12-133220464-C-G.
Other names: c.4249G>C (NM_006231.2); short protein forms E1417Q.
Identifiers: ClinVar variation 663249 (VCV000663249.12), dbSNP rs1593735965, ClinGen allele CA387381954.

ClinVar aggregate classification (germline): Conflicting classifications of pathogenicity. Review status: criteria provided, conflicting classifications (1 of 4 stars). 4 submissions from 4 submitters: Uncertain significance (3); Likely benign (1). Last evaluated 2025-08-01.

Conditions:
Hereditary cancer-predisposing syndrome. Also called: Neoplastic Syndromes, Hereditary; Tumor predisposition; Hereditary neoplastic syndrome; Hereditary Cancer Syndrome. Identifiers: Orphanet 140162, MedGen C0027672, MeSH D009386, MONDO:0015356.

Allele frequency attached by ClinVar (database versions not stated): gnomAD exomes below 0.00001.
gnomAD v4.1: 2 of 1,614,188 alleles (0.00012%); highest among the groups gnomAD compares: South Asian, 0.0022%; no homozygotes.

Submissions (4):

Ambry Genetics
Classification: Likely benign for Hereditary cancer-predisposing syndrome. Last evaluated: 2025-08-01. Review status: criteria provided, single submitter. Criteria: Ambry Variant Classification Scheme 2023. Collection method: clinical testing. Allele origin: germline.

Center for Genomic Medicine, Rigshospitalet, Copenhagen University Hospital
Classification: Uncertain significance. Last evaluated: 2025-03-04. Review status: criteria provided, single submitter. Criteria: ACMG Guidelines, 2015. Collection method: clinical testing. Allele origin: germline.

Labcorp Genetics (formerly Invitae), Labcorp
Classification: Uncertain significance. Last evaluated: 2025-01-29. Review status: criteria provided, single submitter. Criteria: Invitae Variant Classification Sherloc (09022015). Collection method: clinical testing. Allele origin: germline.
Comment: This sequence change replaces glutamic acid, which is acidic and polar, with glutamine, which is neutral and polar, at codon 1417 of the POLE protein (p.Glu1417Gln). This variant is not present in population databases (gnomAD no frequency). This variant has not been reported in the literature in individuals affected with POLE-related conditions. ClinVar contains an entry for this variant (Variation ID: 663249). Invitae Evidence Modeling of protein sequence and biophysical properties (such as structural, functional, and spatial information, amino acid conservation, physicochemical variation, residue mobility, and thermodynamic stability) indicates that this missense variant is not expected to disrupt POLE protein function with a negative predictive value of 80%. In summary, the available evidence is currently insufficient to determine the role of this variant in disease. Therefore, it has been classified as a Variant of Uncertain Significance.

Women's Health and Genetics/Laboratory Corporation of America, LabCorp
Classification: Uncertain significance. Last evaluated: 2022-04-25. Review status: criteria provided, single submitter. Criteria: LabCorp Variant Classification Summary - May 2015. Collection method: clinical testing. Allele origin: germline.